The following is an entry in ClinVar:

ClinVar aggregate classification (germline): Pathogenic (1 of 4 stars; one submission).

Conditions:
Neuronal ceroid lipofuscinosis. Also called: Neuronal Ceroid Lipofuscinoses. Identifiers: Orphanet 216, Orphanet 79263, MedGen C0027877, MONDO:0016295. Disease mechanism: loss of function.

Submission:

Labcorp Genetics (formerly Invitae), Labcorp
Classification: Pathogenic for Neuronal ceroid lipofuscinosis. Last evaluated: 2025-09-23. Review status: criteria provided, single submitter. Criteria: Invitae Variant Classification Sherloc (09022015). Collection method: clinical testing. Allele origin: germline.
Comment: This sequence change creates a premature translational stop signal (p.Phe216Leufs*15) in the CLN5 gene. While this is not anticipated to result in nonsense mediated decay, it is expected to disrupt the last 192 amino acid(s) of the CLN5 protein. This variant is not present in population databases (gnomAD no frequency). This variant has not been reported in the literature in individuals affected with CLN5-related conditions. This variant disrupts a region of the CLN5 protein in which other variant(s) (p.Tyr392*) have been determined to be pathogenic (PMID: 11971870, 12134079, 20052765, 24038957). This suggests that this is a clinically significant region of the protein, and that variants that disrupt it are likely to be disease-causing. For these reasons, this variant has been classified as Pathogenic.

Literature cited by the submitters: PubMed 11971870; PubMed 12134079; PubMed 20052765; PubMed 24038957.

NM_006493.4(CLN5):c.501del (p.Phe167fs)

Gene: CLN5 (CLN5 lysosomal BMP synthase; plus strand). Cytogenetic location: 13q22.3.
Variant type: Deletion.
Coding change: c.501del on transcript NM_006493.4 (MANE Select); coding-DNA position 501, one base deleted (T; older notation c.501delT).
Protein change: p.Phe167fs; shifts the reading frame from phenylalanine 167.
Molecular consequence: frameshift variant.
Genome position (GRCh38, 1-based): chr13:76,996,063, T deleted; the last of 6 consecutive T bases (chr13:76,996,058-76,996,063); deleting any one gives the same sequence. VCF-style (leftmost placement, unchanged base first): chr13-76996057-CT-C. GRCh37 (hg19) VCF-style: chr13-77570192-CT-C.
Other names: c.501del, p.Phe167fs (NM_001366624.2); short protein forms F167fs.
Identifiers: ClinVar variation 4727704 (VCV004727704.1).